The following is an entry in ClinVar:

ClinVar aggregate classification (germline): Uncertain significance (1 of 4 stars; one submission).

Conditions:
Catecholaminergic polymorphic ventricular tachycardia 1. Also called: RYR2-Related Catecholaminergic Polymorphic Ventricular Tachycardia; VENTRICULAR TACHYCARDIA, CATECHOLAMINERGIC POLYMORPHIC, 1, WITH OR WITHOUT ATRIAL DYSFUNCTION AND/OR DILATED CARDIOMYOPATHY; VENTRICULAR TACHYCARDIA, STRESS-INDUCED POLYMORPHIC 1. Identifiers: Orphanet 3286, MedGen C1631597, MONDO:0011484, OMIM 604772.

Submission:

Labcorp Genetics (formerly Invitae), Labcorp
Classification: Uncertain significance for Catecholaminergic polymorphic ventricular tachycardia 1. Last evaluated: 2021-05-13. Review status: criteria provided, single submitter. Criteria: Invitae Variant Classification Sherloc (09022015). Collection method: clinical testing. Allele origin: germline.
Comment: This sequence change replaces lysine with glutamic acid at codon 248 of the TRDN protein (p.Lys248Glu). The lysine residue is highly conserved and there is a small physicochemical difference between lysine and glutamic acid. This variant is not present in population databases (ExAC no frequency). This variant has not been reported in the literature in individuals with TRDN-related conditions. Algorithms developed to predict the effect of missense changes on protein structure and function are either unavailable or do not agree on the potential impact of this missense change (SIFT: "Deleterious"; PolyPhen-2: "Probably Damaging"; Align-GVGD: "Class C0"). In summary, the available evidence is currently insufficient to determine the role of this variant in disease. Therefore, it has been classified as a Variant of Uncertain Significance.

NM_006073.4(TRDN):c.742A>G (p.Lys248Glu)

Gene: TRDN (triadin; minus strand). Cytogenetic location: 6q22.31.
Variant type: single nucleotide variant.
Coding change: c.742A>G on transcript NM_006073.4 (MANE Select); coding-DNA position 742, A replaced by G.
Protein change: p.Lys248Glu; replaces lysine 248 with glutamic acid.
Molecular consequence: missense variant.
Genome position (GRCh38, 1-based): chr6:123,503,770, T>C on the plus strand (A>G on the coding strand, the complement: TRDN is on the minus strand). VCF-style: chr6-123503770-T-C. GRCh37 (hg19) VCF-style: chr6-123824915-T-C.
Other names: c.742A>G, p.Lys248Glu (NM_001251987.2, NM_001256020.2, NM_001256021.2); short protein forms K248E.
Identifiers: ClinVar variation 1353521 (VCV001353521.9), dbSNP rs2114833012, ClinGen allele CA365567648.
Genomic context (GRCh38, chr6:123,503,770, plus strand): 5'-AATGTTTACCTTTCTGTTCATGCTTTGACACAGCTGCTTTCTCTTTGTCCTCCTTTTCTT[T>C]GGGTTTTGATGGTGTTTTCTGTACTTCTTTTACTTTTGCAGCTGTTTGCTTCACTTTCTC-3'
Protein context (NP_006064.2, residues 238-258): KEVQKTPSKP[Lys248Glu]EKEDKEKAAV